The following is an entry in ClinVar:

NM_020163.3(SEMA3G):c.1887G>A (p.Thr629=)

Gene: SEMA3G (semaphorin 3G; minus strand). Cytogenetic location: 3p21.1.
Variant type: single nucleotide variant.
Coding change: c.1887G>A on transcript NM_020163.3 (MANE Select); coding-DNA position 1887, G replaced by A.
Protein change: p.Thr629=; no amino-acid change (threonine 629 retained).
Molecular consequence: synonymous variant.
Genome position (GRCh38, 1-based): chr3:52,436,065, C>T on the plus strand (G>A on the coding strand, the complement: SEMA3G is on the minus strand). VCF-style: chr3-52436065-C-T. GRCh37 (hg19) VCF-style: chr3-52470081-C-T.
Identifiers: ClinVar variation 3044220 (VCV003044220.2), dbSNP rs115134928, ClinGen allele CA2437778.

ClinVar aggregate classification (germline): Likely benign (0 of 4 stars; one submission).

Conditions:
SEMA3G-related disorder. Also called: SEMA3G-related condition.

Allele frequency attached by ClinVar (database versions not stated): TOPMed 0.00088; ESP Exome Variant Server 0.00108; gnomAD 0.00114; 1000 Genomes Project 30x 0.00125; 1000 Genomes Project 0.00140; ExAC 0.00208.

Submission:

PreventionGenetics, part of Exact Sciences
Classification: Likely benign for SEMA3G-related condition. Last evaluated: 2021-07-13. Review status: no assertion criteria provided. Collection method: clinical testing. Allele origin: germline.
Comment: This variant is classified as likely benign based on ACMG/AMP sequence variant interpretation guidelines (Richards et al. 2015 PMID: 25741868, with internal and published modifications).